The following is an entry in ClinVar:

ClinVar aggregate classification (germline): Uncertain significance (1 of 4 stars; one submission).

Conditions:
Familial adenomatous polyposis 1 (FAP1). Also called: POLYPOSIS, ADENOMATOUS INTESTINAL; FAMILIAL ADENOMATOUS POLYPOSIS 1, ATTENUATED. Identifiers: MedGen C2713442, MONDO:0021056, OMIM 175100. Disease mechanism: loss of function.

Submission:

Labcorp Genetics (formerly Invitae), Labcorp
Classification: Uncertain significance for Familial adenomatous polyposis 1. Last evaluated: 2024-07-11. Review status: criteria provided, single submitter. Criteria: Invitae Variant Classification Sherloc (09022015). Collection method: clinical testing. Allele origin: germline.
Comment: This sequence change replaces cysteine, which is neutral and slightly polar, with arginine, which is basic and polar, at codon 914 of the APC protein (p.Cys914Arg). This variant is not present in population databases (gnomAD no frequency). This variant has not been reported in the literature in individuals affected with APC-related conditions. Advanced modeling of protein sequence and biophysical properties (such as structural, functional, and spatial information, amino acid conservation, physicochemical variation, residue mobility, and thermodynamic stability) performed at Invitae indicates that this missense variant is not expected to disrupt APC protein function with a negative predictive value of 95%. In summary, the available evidence is currently insufficient to determine the role of this variant in disease. Therefore, it has been classified as a Variant of Uncertain Significance.

NM_000038.6(APC):c.2740T>C (p.Cys914Arg)

Gene: APC (APC regulator of Wnt signaling pathway; plus strand). Cytogenetic location: 5q22.2.
Variant type: single nucleotide variant.
Coding change: c.2740T>C on transcript NM_000038.6 (MANE Select); coding-DNA position 2740, T replaced by C.
Protein change: p.Cys914Arg; replaces cysteine 914 with arginine.
Molecular consequence: missense variant. On other transcripts: non-coding transcript variant (2).
Genome position (GRCh38, 1-based): chr5:112,838,334, T>C. VCF-style: chr5-112838334-T-C. GRCh37 (hg19) VCF-style: chr5-112174031-T-C.
Other names: c.2740T>C, p.Cys914Arg (NM_001127510.3, NM_001354895.2, NM_001407450.1); c.2686T>C, p.Cys896Arg (NM_001127511.3); c.2794T>C, p.Cys932Arg (NM_001354896.2, NM_001407447.1, NM_001407448.1 and 1 more transcripts); c.2770T>C, p.Cys924Arg (NM_001354897.2); c.2665T>C, p.Cys889Arg (NM_001354898.2); c.2656T>C, p.Cys886Arg (NM_001354899.2); c.2617T>C, p.Cys873Arg (NM_001354900.2); c.2563T>C, p.Cys855Arg (NM_001354901.2, NM_001407453.1); and 11 more; short protein forms C530R, C631R, C785R, C896R, C907R, C788R, C813R, C942R.
Identifiers: ClinVar variation 3703571 (VCV003703571.2).
Genomic context (GRCh38, chr5:112,838,334, plus strand): 5'-GTGTCAGCCATTCATACCTCTCAGGAAGACAGAAGTTCTGGGTCTACCACTGAATTACAT[T>C]GTGTGACAGATGAGAGAAATGCACTTAGAAGAAGCTCTGCTGCCCATACACATTCAAACA-3'
Protein context (NP_000029.2, residues 904-924): RSSGSTTELH[Cys914Arg]VTDERNALRR